The following is an entry in ClinVar:

NM_006206.6(PDGFRA):c.1223A>T (p.Glu408Val)

Gene: PDGFRA (platelet derived growth factor receptor alpha; plus strand). Cytogenetic location: 4q12.
Variant type: single nucleotide variant.
Coding change: c.1223A>T on transcript NM_006206.6 (MANE Select); coding-DNA position 1223, A replaced by T.
Protein change: p.Glu408Val; replaces glutamic acid 408 with valine.
Molecular consequence: missense variant.
Genome position (GRCh38, 1-based): chr4:54,270,734, A>T. VCF-style: chr4-54270734-A-T. GRCh37 (hg19) VCF-style: chr4-55136901-A-T.
Other names: c.1223A>T, p.Glu408Val (NM_001347827.2, NM_001347829.2); c.1298A>T, p.Glu433Val (NM_001347828.2); c.1262A>T, p.Glu421Val (NM_001347830.2); short protein forms E408V, E421V, E433V.
Identifiers: ClinVar variation 458991 (VCV000458991.11), dbSNP rs1553903767, ClinGen allele CA356892094.
Genomic context (GRCh38, chr4:54,270,734, plus strand): 5'-ACAGTGGCCATTATACTATTGTAGCTCAAAATGAAGATGCTGTGAAGAGCTATACTTTTG[A>T]ACTGTTAACTCAAGGTATGTAAAGGGAGTATAAAGATAATGCTAGCTCTGTAGATGAGTG-3'
Protein context (NP_006197.1, residues 398-418): NEDAVKSYTF[Glu408Val]LLTQVPSSIL

ClinVar aggregate classification (germline): Uncertain significance. Review status: criteria provided, multiple submitters, no conflicts (2 of 4 stars). 2 submissions from 2 submitters: Uncertain significance (2). Last evaluated 2022-09-19.

Conditions:
Gastrointestinal stromal tumor. Also called: Gastrointestinal stroma tumor; Gastrointestinal stromal tumor, somatic. Identifiers: Orphanet 44890, MedGen C0238198, MeSH D046152, MONDO:0011719, OMIM 606764, HP:0100723.
Hereditary cancer-predisposing syndrome. Also called: Tumor predisposition; Hereditary neoplastic syndrome; Neoplastic Syndromes, Hereditary; Hereditary Cancer Syndrome. Identifiers: Orphanet 140162, MedGen C0027672, MeSH D009386, MONDO:0015356.

Submissions (2):

Labcorp Genetics (formerly Invitae), Labcorp
Classification: Uncertain significance for Gastrointestinal stromal tumor. Last evaluated: 2022-09-19. Review status: criteria provided, single submitter. Criteria: Invitae Variant Classification Sherloc (09022015). Collection method: clinical testing. Allele origin: germline.
Comment: This sequence change replaces glutamic acid, which is acidic and polar, with valine, which is neutral and non-polar, at codon 408 of the PDGFRA protein (p.Glu408Val). This variant is not present in population databases (gnomAD no frequency). In summary, the available evidence is currently insufficient to determine the role of this variant in disease. Therefore, it has been classified as a Variant of Uncertain Significance. Advanced modeling of protein sequence and biophysical properties (such as structural, functional, and spatial information, amino acid conservation, physicochemical variation, residue mobility, and thermodynamic stability) performed at Invitae indicates that this missense variant is not expected to disrupt PDGFRA protein function. ClinVar contains an entry for this variant (Variation ID: 458991). This variant has not been reported in the literature in individuals affected with PDGFRA-related conditions.

Ambry Genetics
Classification: Uncertain significance for Hereditary cancer-predisposing syndrome. Last evaluated: 2022-08-30. Review status: criteria provided, single submitter. Criteria: Ambry Variant Classification Scheme 2023. Collection method: clinical testing. Allele origin: germline.
Comment: The p.E408V variant (also known as c.1223A>T), located in coding exon 7 of the PDGFRA gene, results from an A to T substitution at nucleotide position 1223. The glutamic acid at codon 408 is replaced by valine, an amino acid with dissimilar properties. This amino acid position is conserved. In addition, this alteration is predicted to be tolerated by in silico analysis. Since supporting evidence is limited at this time, the clinical significance of this alteration remains unclear.